The following is an entry in ClinVar:

NM_000441.2(SLC26A4):c.1490del (p.Gly497fs)

Gene: SLC26A4 (solute carrier family 26 member 4; plus strand). Cytogenetic location: 7q22.3.
Variant type: Deletion.
Coding change: c.1490del on transcript NM_000441.2 (MANE Select); coding-DNA position 1490, one base deleted (G; older notation c.1490delG).
Protein change: p.Gly497fs; shifts the reading frame from glycine 497.
Molecular consequence: frameshift variant.
Genome position (GRCh38, 1-based): chr7:107,695,985, G deleted; the last of 2 consecutive G bases (chr7:107,695,984-107,695,985); deleting either gives the same sequence. VCF-style (leftmost placement, unchanged base first): chr7-107695983-CG-C. GRCh37 (hg19) VCF-style: chr7-107336428-CG-C.
Other names: short protein forms G497fs.
Identifiers: ClinVar variation 1724245 (VCV001724245.2), dbSNP rs2535329463, ClinGen allele CA2580076174.

ClinVar aggregate classification (germline): Likely pathogenic (1 of 4 stars; one submission).

Conditions:
Pendred syndrome (PDS). Also called: Pendred Syndrome (PDS); GOITER-DEAFNESS SYNDROME; HYPOTHYROIDISM, CONGENITAL, DUE TO DYSHORMONOGENESIS, 2B; Pendred's syndrome; DEAFNESS WITH GOITER; THYROID DYSHORMONOGENESIS 2B. Identifiers: Orphanet 705, MedGen C0271829, MONDO:0010134, OMIM 274600.

Submission:

Myriad Genetics, Inc.
Classification: Likely pathogenic for Pendred syndrome. Last evaluated: 2022-02-02. Review status: criteria provided, single submitter. Criteria: Myriad Women's Health Autosomal Recessive and X-Linked Classification Criteria (2021). Collection method: clinical testing. Allele origin: unknown.
Comment: NM_000441.1(SLC26A4):c.1490delG(G497Vfs*3) is expected to be pathogenic in the context of Pendred syndrome. This variant is predicted to lead to an abnormal or absent protein product due to the creation of a premature termination codon in SLC26A4, a gene where loss-of-function variants are known to be pathogenic. Please note: this variant was assessed in the context of healthy population screening.